The following is an entry in ClinVar:

NM_001276270.2(MBD4):c.1183+12_1183+16del

Gene: MBD4 (methyl-CpG binding domain 4, DNA glycosylase; minus strand). Cytogenetic location: 3q21.3.
Variant type: Deletion.
Coding change: c.1183+12_1183+16del on transcript NM_001276270.2 (MANE Select); bases 12 to 16 of the intron after coding-DNA position 1183, 5 bases deleted (TTTCA; older notation c.1183+12_1183+16delTTTCA).
Molecular consequence: intron variant. On other transcripts: frameshift variant (3).
Genome position (GRCh38, 1-based): chr3:129,436,445-129,436,449, TGAAA deleted on the plus strand (TTTCA on the coding strand, the reverse complement: MBD4 is on the minus strand); deleting any 5 consecutive bases within chr3:129,436,445-129,436,450 gives the same sequence; the c. name uses the placement nearest the transcript's 3' end. VCF-style (leftmost placement, unchanged base first): chr3-129436444-TTGAAA-T. GRCh37 (hg19) VCF-style: chr3-129155287-TTGAAA-T.
Other names: c.1195_1199del, p.Phe399fs (NM_001276271.2, NM_001276272.2, NM_003925.3); c.247+1359_247+1363del (NM_001276273.2); short protein forms F399fs.
Identifiers: ClinVar variation 2776110 (VCV002776110.3), dbSNP rs2530717054, ClinGen allele CA2667581394.

ClinVar aggregate classification (germline): Pathogenic (1 of 4 stars; one submission).

Submission:

Labcorp Genetics (formerly Invitae), Labcorp
Classification: Pathogenic. Last evaluated: 2025-09-12. Review status: criteria provided, single submitter. Criteria: Invitae Variant Classification Sherloc (09022015). Collection method: clinical testing. Allele origin: germline.
Comment: This sequence change creates a premature translational stop signal (p.Phe399Argfs*23) in the MBD4 gene. It is expected to result in an absent or disrupted protein product. Loss-of-function variants in MBD4 are known to be pathogenic (PMID: 30049810, 35460607). This variant is not present in population databases (gnomAD no frequency). This variant has not been reported in the literature in individuals affected with MBD4-related conditions. ClinVar contains an entry for this variant (Variation ID: 2776110). For these reasons, this variant has been classified as Pathogenic.

Literature cited by the submitters: PubMed 30049810; PubMed 35460607.